The following is an entry in ClinVar:

NM_005732.4(RAD50):c.1199T>G (p.Val400Gly)

Gene: RAD50 (RAD50 double strand break repair protein; plus strand). Cytogenetic location: 5q31.1.
Variant type: single nucleotide variant.
Coding change: c.1199T>G on transcript NM_005732.4 (MANE Select); coding-DNA position 1199, T replaced by G.
Protein change: p.Val400Gly; replaces valine 400 with glycine.
Molecular consequence: missense variant.
Genome position (GRCh38, 1-based): chr5:132,588,834, T>G. VCF-style: chr5-132588834-T-G. GRCh37 (hg19) VCF-style: chr5-131924526-T-G.
Other names: short protein forms V400G.
Identifiers: ClinVar variation 941123 (VCV000941123.10), dbSNP rs541543215, ClinGen allele CA360942904.

ClinVar aggregate classification (germline): Uncertain significance (1 of 4 stars; one submission).

Conditions:
Hereditary cancer-predisposing syndrome. Also called: Hereditary neoplastic syndrome; Neoplastic Syndromes, Hereditary; Tumor predisposition; Hereditary Cancer Syndrome. Identifiers: Orphanet 140162, MedGen C0027672, MeSH D009386, MONDO:0015356.

Submission:

Labcorp Genetics (formerly Invitae), Labcorp
Classification: Uncertain significance for Hereditary cancer-predisposing syndrome. Last evaluated: 2019-06-26. Review status: criteria provided, single submitter. Criteria: Invitae Variant Classification Sherloc (09022015). Collection method: clinical testing. Allele origin: germline.
Comment: This sequence change replaces valine with glycine at codon 400 of the RAD50 protein (p.Val400Gly). The valine residue is moderately conserved and there is a moderate physicochemical difference between valine and glycine. In summary, the available evidence is currently insufficient to determine the role of this variant in disease. Therefore, it has been classified as a Variant of Uncertain Significance. Algorithms developed to predict the effect of missense changes on protein structure and function (SIFT, PolyPhen-2, Align-GVGD) all suggest that this variant is likely to be disruptive, but these predictions have not been confirmed by published functional studies and their clinical significance is uncertain. This variant has not been reported in the literature in individuals with RAD50-related conditions. This variant is not present in population databases (ExAC no frequency).